The following is an entry in ClinVar:

ClinVar aggregate classification (germline): Uncertain significance (1 of 4 stars; one submission).

gnomAD v4.1: 3 of 1,614,104 alleles (0.00019%); highest among the groups gnomAD compares: East Asian, 0.0022%; no homozygotes.

Submission:

Labcorp Genetics (formerly Invitae), Labcorp
Classification: Uncertain significance. Last evaluated: 2024-05-14. Review status: criteria provided, single submitter. Criteria: Invitae Variant Classification Sherloc (09022015). Collection method: clinical testing. Allele origin: germline.
Comment: This sequence change replaces threonine, which is neutral and polar, with methionine, which is neutral and non-polar, at codon 450 of the MYH3 protein (p.Thr450Met). This variant is not present in population databases (gnomAD no frequency). This variant has not been reported in the literature in individuals affected with MYH3-related conditions. Advanced modeling of protein sequence and biophysical properties (such as structural, functional, and spatial information, amino acid conservation, physicochemical variation, residue mobility, and thermodynamic stability) has been performed at Invitae for this missense variant, however the output from this modeling did not meet the statistical confidence thresholds required to predict the impact of this variant on MYH3 protein function. In summary, the available evidence is currently insufficient to determine the role of this variant in disease. Therefore, it has been classified as a Variant of Uncertain Significance.

NM_002470.4(MYH3):c.1349C>T (p.Thr450Met)

Gene: MYH3 (myosin heavy chain 3; minus strand). Cytogenetic location: 17p13.1.
Variant type: single nucleotide variant.
Coding change: c.1349C>T on transcript NM_002470.4 (MANE Select); coding-DNA position 1349, C replaced by T.
Protein change: p.Thr450Met; replaces threonine 450 with methionine.
Molecular consequence: missense variant.
Genome position (GRCh38, 1-based): chr17:10,644,412, G>A on the plus strand (C>T on the coding strand, the complement: MYH3 is on the minus strand). VCF-style: chr17-10644412-G-A. GRCh37 (hg19) VCF-style: chr17-10547729-G-A.
Other names: short protein forms T450M.
Identifiers: ClinVar variation 3638032 (VCV003638032.2).